The following is an entry in ClinVar:

NM_006341.4(MAD2L2):c.466G>A (p.Ala156Thr)

Gene: MAD2L2 (mitotic arrest deficient 2 like 2; minus strand). Cytogenetic location: 1p36.22.
Variant type: single nucleotide variant.
Coding change: c.466G>A on transcript NM_006341.4 (MANE Select); coding-DNA position 466, G replaced by A.
Protein change: p.Ala156Thr; replaces alanine 156 with threonine.
Molecular consequence: missense variant.
Genome position (GRCh38, 1-based): chr1:11,675,693, C>T on the plus strand (G>A on the coding strand, the complement: MAD2L2 is on the minus strand). VCF-style: chr1-11675693-C-T. GRCh37 (hg19) VCF-style: chr1-11735750-C-T.
Other names: c.466G>A, p.Ala156Thr (NM_001127325.2); short protein forms A156T.
Identifiers: ClinVar variation 2787900 (VCV002787900.3), dbSNP rs766668415, ClinGen allele CA593687.

ClinVar aggregate classification (germline): Uncertain significance (1 of 4 stars; one submission).

Allele frequency attached by ClinVar (database versions not stated): gnomAD exomes below 0.00001; ExAC 0.00001; gnomAD 0.00001; TOPMed 0.00002.

Submission:

Labcorp Genetics (formerly Invitae), Labcorp
Classification: Uncertain significance. Last evaluated: 2023-09-19. Review status: criteria provided, single submitter. Criteria: Invitae Variant Classification Sherloc (09022015). Collection method: clinical testing. Allele origin: germline.
Comment: In summary, the available evidence is currently insufficient to determine the role of this variant in disease. Therefore, it has been classified as a Variant of Uncertain Significance. An algorithm developed to predict the effect of missense changes on protein structure and function (PolyPhen-2) suggests that this variant is likely to be disruptive. This variant has not been reported in the literature in individuals affected with MAD2L2-related conditions. This variant is present in population databases (rs766668415, gnomAD 0.0009%). This sequence change replaces alanine, which is neutral and non-polar, with threonine, which is neutral and polar, at codon 156 of the MAD2L2 protein (p.Ala156Thr).